The following is an entry in ClinVar:

NM_000214.3(JAG1):c.52C>G (p.Leu18Val)

Gene: JAG1 (jagged canonical Notch ligand 1; minus strand). Cytogenetic location: 20p12.2.
Variant type: single nucleotide variant.
Coding change: c.52C>G on transcript NM_000214.3 (MANE Select); coding-DNA position 52, C replaced by G.
Protein change: p.Leu18Val; replaces leucine 18 with valine.
Molecular consequence: missense variant.
Genome position (GRCh38, 1-based): chr20:10,673,479, G>C on the plus strand (C>G on the coding strand, the complement: JAG1 is on the minus strand). VCF-style: chr20-10673479-G-C. GRCh37 (hg19) VCF-style: chr20-10654127-G-C.
Other names: short protein forms L18V.
Identifiers: ClinVar variation 3573211 (VCV003573211.2).

Conditions:
Arteriohepatic dysplasia. Also called: Alagille Syndrome. Identifiers: Orphanet 52, MedGen C0085280, MeSH D016738, MONDO:0007318.

Submission:

Gilbert/Spinner Lab, Children's Hospital of Philadelphia
No classification provided (evidence only). Condition: Alagille syndrome. Review status: no classification provided. Collection method: research. Allele origin: not applicable. Functional consequence: functionally_abnormal.
ClinVar note: "not provided" was previously submitted as the classification for the variant. However, the classification appeared to be based only on an observation of functional data so it was converted to no classification on 2025-07-30.